The following is an entry in ClinVar:

ClinVar aggregate classification (germline): Uncertain significance. Review status: criteria provided, multiple submitters, no conflicts (2 of 4 stars). 2 submissions from 2 submitters: Uncertain significance (2). Last evaluated 2022-04-12.

Conditions:
Growth delay due to insulin-like growth factor I resistance. Also called: IGF-I RESISTANCE; Somatomedin end-organ insensitivity to; Somatomedin-c resistance to; IGF-1 resistance; Insulin-Like Growth Factor I Resistance. Identifiers: Orphanet 73273, MedGen C1849157, MONDO:0010038, OMIM 270450.

Allele frequency attached by ClinVar (database versions not stated): gnomAD exomes below 0.00001.
gnomAD v4.1: 9 of 1,613,736 alleles (0.00056%); highest among the groups gnomAD compares: East Asian, 0.0022%; no homozygotes.

Submissions (2):

Blueprint Genetics
Classification: Uncertain significance. Last evaluated: 2022-04-12. Review status: criteria provided, single submitter. Criteria: ACMG Guidelines, 2015. Collection method: clinical testing. Allele origin: germline.

Baylor Genetics
Classification: Uncertain significance for Growth delay due to insulin-like growth factor I resistance. Last evaluated: 2020-04-05. Review status: criteria provided, single submitter. Criteria: ACMG Guidelines, 2015. Collection method: clinical testing. Allele origin: unknown. Affected: yes.
Comment: This variant was determined to be of uncertain significance according to ACMG Guidelines, 2015 [PMID:25741868].

NM_000875.5(IGF1R):c.737C>T (p.Thr246Met)

Gene: IGF1R (insulin like growth factor 1 receptor; plus strand). Cytogenetic location: 15q26.3.
Variant type: single nucleotide variant.
Coding change: c.737C>T on transcript NM_000875.5 (MANE Select); coding-DNA position 737, C replaced by T.
Protein change: p.Thr246Met; replaces threonine 246 with methionine.
Molecular consequence: missense variant.
Genome position (GRCh38, 1-based): chr15:98,891,421, C>T. VCF-style: chr15-98891421-C-T. GRCh37 (hg19) VCF-style: chr15-99434650-C-T.
Other names: c.737C>T, p.Thr246Met (NM_001291858.2); short protein forms T246M.
Identifiers: ClinVar variation 1029966 (VCV001029966.2), dbSNP rs1297968262, ClinGen allele CA393665224.